The following is an entry in ClinVar:

ClinVar aggregate classification (germline): Uncertain significance (1 of 4 stars; one submission).

Submission:

Labcorp Genetics (formerly Invitae), Labcorp
Classification: Uncertain significance. Last evaluated: 2020-11-11. Review status: criteria provided, single submitter. Criteria: Invitae Variant Classification Sherloc (09022015). Collection method: clinical testing. Allele origin: germline.
Comment: The frequency data for this variant in the population databases is considered unreliable, as metrics indicate insufficient coverage at this position in the ExAC database. Algorithms developed to predict the effect of missense changes on protein structure and function output the following: SIFT: "Deleterious"; PolyPhen-2: "Possibly Damaging"; Align-GVGD: "Class C25". The lysine amino acid residue is found in multiple mammalian species, suggesting that this missense change does not adversely affect protein function. These predictions have not been confirmed by published functional studies and their clinical significance is uncertain. This variant has not been reported in the literature in individuals with CDC45-related conditions. In summary, the available evidence is currently insufficient to determine the role of this variant in disease. Therefore, it has been classified as a Variant of Uncertain Significance. Nucleotide substitutions within the consensus splice site are a relatively common cause of aberrant splicing (PMID: 17576681, 9536098). Algorithms developed to predict the effect of sequence changes on RNA splicing suggest that this variant may disrupt the consensus splice site, but this prediction has not been confirmed by published transcriptional studies. This sequence change replaces arginine with lysine at codon 213 of the CDC45 protein (p.Arg213Lys). The arginine residue is highly conserved and there is a small physicochemical difference between arginine and lysine. This variant also falls at the last nucleotide of exon 7, which is part of the consensus splice site for this exon.

Literature cited by the submitters: PubMed 17576681; PubMed 9536098.

NM_003504.5(CDC45):c.542+220G>A

Gene: CDC45 (cell division cycle 45; plus strand). Cytogenetic location: 22q11.21.
Variant type: single nucleotide variant.
Coding change: c.542+220G>A on transcript NM_003504.5 (MANE Select); 220 bases into the intron after coding-DNA position 542, G replaced by A.
Molecular consequence: intron variant. On other transcripts: missense variant (1).
Genome position (GRCh38, 1-based): chr22:19,494,602, G>A. VCF-style: chr22-19494602-G-A. GRCh37 (hg19) VCF-style: chr22-19482125-G-A.
Other names: c.638G>A, p.Arg213Lys (NM_001178010.2); c.506+220G>A (NM_001369291.1); c.404+220G>A (NM_001178011.2); short protein forms R213K.
Identifiers: ClinVar variation 1388465 (VCV001388465.8), dbSNP rs2146367789, ClinGen allele CA410664909.